The following is an entry in ClinVar:

ClinVar aggregate classification (germline): Uncertain significance (1 of 4 stars; one submission).

Conditions:
Hereditary nonpolyposis colorectal neoplasms. Identifiers: MedGen C0009405, MeSH D003123.

Submission:

Labcorp Genetics (formerly Invitae), Labcorp
Classification: Uncertain significance for Hereditary nonpolyposis colorectal neoplasms. Last evaluated: 2016-12-07. Review status: criteria provided, single submitter. Criteria: Invitae Variant Classification Sherloc (09022015). Collection method: clinical testing. Allele origin: germline.
Comment: This sequence change replaces glutamic acid with valine at codon 52 of the MSH6 protein (p.Glu52Val). The glutamic acid residue is weakly conserved and there is a moderate physicochemical difference between glutamic acid and valine. This variant is not present in population databases (ExAC no frequency) and has not been reported in the literature in individuals with an MSH6-related disease. ClinVar contains an entry for this variant (Variation ID: 237139). Algorithms developed to predict the effect of missense changes on protein structure and function (SIFT, PolyPhen-2, Align-GVGD) all suggest that this variant is likely to be tolerated, but these predictions have not been confirmed by published functional studies. In summary, this variant is a rare missense change that is not predicted to affect protein function. There is no indication that it causes disease, but the available evidence is currently insufficient to prove that conclusively. Therefore, it has been classified as a Variant of Uncertain Significance.

NM_000179.3(MSH6):c.155A>T (p.Glu52Val)

Gene: MSH6 (mutS homolog 6; plus strand). Cytogenetic location: 2p16.3.
Variant type: single nucleotide variant.
Coding change: c.155A>T on transcript NM_000179.3 (MANE Select); coding-DNA position 155, A replaced by T.
Protein change: p.Glu52Val; replaces glutamic acid 52 with valine.
Molecular consequence: missense variant. On other transcripts: 5 prime UTR variant (1).
Genome position (GRCh38, 1-based): chr2:47,783,388, A>T. VCF-style: chr2-47783388-A-T. GRCh37 (hg19) VCF-style: chr2-48010527-A-T.
Other names: c.155A>T, p.Glu52Val (NM_001281492.2); c.-582A>T (NM_001281493.2); short protein forms E52V.
Identifiers: ClinVar variation 237139 (VCV000237139.10), dbSNP rs878853707, ClinGen allele CA10582032.
Genomic context (GRCh38, chr2:47,783,388, plus strand): 5'-GCCGTGCCGCCGCTGCCCCCGGGGCCTCTCCTTCCCCAGGCGGGGATGCGGCCTGGAGCG[A>T]GGCTGGGCCTGGGCCCAGGCCCTTGGCGCGCTCCGCGTCACCGCCCAAGGCGAAGAACCT-3'
Protein context (NP_000170.1, residues 42-62): PSPGGDAAWS[Glu52Val]AGPGPRPLAR